The following is an entry in ClinVar:

ClinVar aggregate classification (germline): Benign. Review status: criteria provided, multiple submitters, no conflicts (2 of 4 stars). 9 submissions from 9 submitters: Benign (8). 1 of the submissions does not count toward it. Last evaluated 2026-02-04.

Conditions:
Cardiovascular phenotype. Identifiers: MedGen CN230736.
Dilated cardiomyopathy 1KK (CMD1KK). Identifiers: Orphanet 154, Orphanet 75249, MedGen C3714995, MONDO:0014100, OMIM 615248.

Allele frequency attached by ClinVar (database versions not stated): ExAC 0.18091; TOPMed 0.17037; ESP Exome Variant Server 0.17231; gnomAD 0.17340 and 0.17378; 1000 Genomes Project 0.15775; 1000 Genomes Project 30x 0.16006.
gnomAD v4.1: 285,881 of 1,613,890 alleles (18%); highest among the groups gnomAD compares: Admixed American, 24%; 26,627 homozygotes.

Submissions (9):

Labcorp Genetics (formerly Invitae), Labcorp
Classification: Benign for Dilated cardiomyopathy 1KK. Last evaluated: 2026-02-04. Review status: criteria provided, single submitter. Criteria: Invitae Variant Classification Sherloc (09022015). Collection method: clinical testing. Allele origin: germline.

Women's Health and Genetics/Laboratory Corporation of America, LabCorp
Classification: Benign. Last evaluated: 2023-04-09. Review status: criteria provided, single submitter. Criteria: LabCorp Variant Classification Summary - May 2015. Collection method: clinical testing. Allele origin: germline.

Mayo Clinic Laboratories, Mayo Clinic
Classification: Benign. Last evaluated: 2022-03-24. Review status: criteria provided, single submitter. Criteria: ACMG Guidelines, 2015. Collection method: clinical testing. Allele origin: germline. Observed: 526 variant alleles.

Molecular Diagnostic Laboratory for Inherited Cardiovascular Disease, Montreal Heart Institute
Classification: Benign. Last evaluated: 2016-05-13. Review status: criteria provided, single submitter. Criteria: ACMG Guidelines, 2015. Collection method: clinical testing. Allele origin: germline. Affected: yes.

Ambry Genetics
Classification: Benign for Cardiovascular phenotype. Last evaluated: 2015-06-12. Review status: criteria provided, single submitter. Criteria: Ambry Variant Classification Scheme 2023. Collection method: clinical testing. Allele origin: germline.

Laboratory for Molecular Medicine, Mass General Brigham Personalized Medicine
Classification: Benign. Last evaluated: 2014-10-29. Review status: criteria provided, single submitter. Criteria: LMM Criteria. Collection method: clinical testing. Allele origin: germline. Observed: 167 variant alleles.
Comment: p.Pro625Pro in exon 11 of MYPN: This variant is not expected to have clinical si gnificance because it has been identified in 19% (1605/8600) of European America n chromosomes by the NHLBI Exome Sequencing Project (u/EVS/; dbSNP rs2673793).

GeneDx
Classification: Benign. Last evaluated: 2013-11-22. Review status: criteria provided, single submitter. Criteria: GeneDx Variant Classification (06012015). Collection method: clinical testing. Allele origin: germline. Affected: yes.
Comment: This variant is considered likely benign or benign based on one or more of the following criteria: it is a conservative change, it occurs at a poorly conserved position in the protein, it is predicted to be benign by multiple in silico algorithms, and/or has population frequency not consistent with disease.

Breakthrough Genomics
Classification: Benign. Review status: criteria provided, single submitter. Criteria: ACMG Guidelines, 2015. Collection method: not provided. Allele origin: germline. Inheritance: Autosomal recessive inheritance. Affected: yes.

Leiden Muscular Dystrophy (MYPN)
No classification provided. Last evaluated: 2012-04-27. Review status: no classification provided. Collection method: curation. Allele origin: germline. Not counted in ClinVar's aggregate classification.

Literature cited by the submitters: PubMed 18006477 (cited by Laboratory for Molecular Medicine, Mass General Brigham Personalized Medicine); PubMed 22286171 (cited by Laboratory for Molecular Medicine, Mass General Brigham Personalized Medicine).

NM_032578.4(MYPN):c.1875C>T (p.Pro625=)

Gene: MYPN (myopalladin; plus strand). Cytogenetic location: 10q21.3.
Variant type: single nucleotide variant.
Coding change: c.1875C>T on transcript NM_032578.4 (MANE Select); coding-DNA position 1875, C replaced by T.
Protein change: p.Pro625=; no amino-acid change (proline 625 retained).
Molecular consequence: synonymous variant. On other transcripts: non-coding transcript variant (2).
Genome position (GRCh38, 1-based): chr10:68,166,568, C>T. VCF-style: chr10-68166568-C-T. GRCh37 (hg19) VCF-style: chr10-69926325-C-T.
Other names: p.P625P:CCC>CCT; p.Pro625=; c.1875C>T, p.Pro625= (NM_001256267.2); c.993C>T, p.Pro331= (NM_001256268.2).
Identifiers: ClinVar variation 31796 (VCV000031796.23), dbSNP rs2673793, ClinGen allele CA215292.